The following is an entry in ClinVar:

ClinVar aggregate classification (germline): Benign. Review status: criteria provided, single submitter (1 of 4 stars). 3 submissions from 2 submitters: Benign (1). 2 of the submissions do not count toward it. Last evaluated 2024-09-11.

Conditions:
CDKL5 disorder. Identifiers: MedGen CN296942, MONDO:0100039.

Allele frequency attached by ClinVar (database versions not stated): gnomAD 0.00005; gnomAD exomes 0.00003 and 0.00002; TOPMed 0.00002; ExAC 0.00001.
gnomAD v4.1: 23 of 1,207,089 alleles (0.0019%); highest among the groups gnomAD compares: South Asian, 0.0088%; no homozygotes.

Submissions (3):

Centre for Population Genomics, CPG
Classification: Benign for CDKL5 disorder. Last evaluated: 2024-09-11. Review status: criteria provided, single submitter. Criteria: McKnight et al. (Hum Mutat. 2022). Collection method: curation. Allele origin: germline. Inheritance: X-linked inheritance.
Comment: This variant has been collected from RettBASE and curated to current modified ACMG/AMP criteria. Based on the classification scheme defined by the ClinGen Rett/Angelman-like Expert Panel for Rett/AS-like Disorders Specifications to the ACMG/AMP Variant Interpretation Guidelines VCEP 3.0, this variant is classified as benign. At least the following criteria are met: The allele frequency of this variant in at least one population in gnomAD is higher than the 0.03% threshold defined by the ClinGen Rett/Angelman-like Expert Panel for Rett/AS-like Disorders VCEP 3.0 (BA1).

RettBASE
Classification: Benign. Last evaluated: 2014-05-09. Review status: no assertion criteria provided. Collection method: curation. Allele origin: maternal, unknown. Observed: 2 variant alleles. Not counted in ClinVar's aggregate classification.

RettBASE
No classification provided. Review status: flagged submission. Collection method: not provided. Allele origin: not provided. Not counted in ClinVar's aggregate classification.
ClinVar note: Reason: This record appears to be redundant with a more recent record from the same submitter.
ClinVar note: Notes: SCV000189219 appears to be redundant with SCV000222275.

Literature cited by the submitters: PubMed 20397747 (cited by RettBASE).

NM_001323289.2(CDKL5):c.978-23T>C

Gene: CDKL5 (cyclin dependent kinase like 5; plus strand). Cytogenetic location: Xp22.13.
Variant type: single nucleotide variant.
Coding change: c.978-23T>C on transcript NM_001323289.2 (MANE Select); 23 bases into the intron before coding-DNA position 978, T replaced by C.
Molecular consequence: intron variant.
Genome position (GRCh38, 1-based): chrX:18,603,879, T>C. VCF-style: chrX-18603879-T-C. GRCh37 (hg19) VCF-style: chrX-18621999-T-C.
Other names: c.978-23T>C (NM_003159.3, NM_001037343.2).
Identifiers: ClinVar variation 156094 (VCV000156094.4), dbSNP rs267608555, ClinGen allele CA199355.